The following is an entry in ClinVar:

NM_024675.4(PALB2):c.1952G>A (p.Gly651Glu)

Gene: PALB2 (partner and localizer of BRCA2; minus strand). Cytogenetic location: 16p12.2.
Variant type: single nucleotide variant.
Coding change: c.1952G>A on transcript NM_024675.4 (MANE Select); coding-DNA position 1952, G replaced by A.
Protein change: p.Gly651Glu; replaces glycine 651 with glutamic acid.
Molecular consequence: missense variant.
Genome position (GRCh38, 1-based): chr16:23,630,202, C>T on the plus strand (G>A on the coding strand, the complement: PALB2 is on the minus strand). VCF-style: chr16-23630202-C-T. GRCh37 (hg19) VCF-style: chr16-23641523-C-T.
Other names: short protein forms G651E.
Identifiers: ClinVar variation 233107 (VCV000233107.17), dbSNP rs876660200, ClinGen allele CA10579989.

ClinVar aggregate classification (germline): Uncertain significance. Review status: criteria provided, multiple submitters, no conflicts (2 of 4 stars). 3 submissions from 3 submitters: Uncertain significance (3). Last evaluated 2025-10-13.

Conditions:
Hereditary cancer-predisposing syndrome. Also called: Neoplastic Syndromes, Hereditary; Tumor predisposition; Hereditary Cancer Syndrome; Hereditary neoplastic syndrome. Identifiers: Orphanet 140162, MedGen C0027672, MeSH D009386, MONDO:0015356.
Familial cancer of breast. Also called: BREAST CANCER, FAMILIAL; hereditary breast carcinoma; Hereditary breast cancer. Identifiers: Orphanet 227535, MedGen C0346153, MONDO:0016419, OMIM 114480. Disease mechanism: loss of function.

Submissions (3):

Labcorp Genetics (formerly Invitae), Labcorp
Classification: Uncertain significance for Familial cancer of breast. Last evaluated: 2025-10-13. Review status: criteria provided, single submitter. Criteria: Invitae Variant Classification Sherloc (09022015). Collection method: clinical testing. Allele origin: germline.
Comment: This sequence change replaces glycine, which is neutral and non-polar, with glutamic acid, which is acidic and polar, at codon 651 of the PALB2 protein (p.Gly651Glu). This variant is not present in population databases (gnomAD no frequency). This variant has not been reported in the literature in individuals affected with PALB2-related conditions. ClinVar contains an entry for this variant (Variation ID: 233107). Invitae Evidence Modeling of protein sequence and biophysical properties (such as structural, functional, and spatial information, amino acid conservation, physicochemical variation, residue mobility, and thermodynamic stability) indicates that this missense variant is not expected to disrupt PALB2 protein function with a negative predictive value of 80%. In summary, the available evidence is currently insufficient to determine the role of this variant in disease. Therefore, it has been classified as a Variant of Uncertain Significance.

Ambry Genetics
Classification: Uncertain significance for Hereditary cancer-predisposing syndrome. Last evaluated: 2025-04-18. Review status: criteria provided, single submitter. Criteria: Ambry Variant Classification Scheme 2023. Collection method: clinical testing. Allele origin: germline.
Comment: The p.G651E variant (also known as c.1952G>A), located in coding exon 5 of the PALB2 gene, results from a G to A substitution at nucleotide position 1952. The glycine at codon 651 is replaced by glutamic acid, an amino acid with similar properties. This amino acid position is poorly conserved in available vertebrate species. In addition, this alteration is predicted to be tolerated by in silico analysis. Since supporting evidence is limited at this time, the clinical significance of this alteration remains unclear.

Color Diagnostics, LLC DBA Color Health
Classification: Uncertain significance for Hereditary cancer-predisposing syndrome. Last evaluated: 2023-12-11. Review status: criteria provided, single submitter. Criteria: ACMG Guidelines, 2015. Collection method: clinical testing. Allele origin: germline.
Comment: This missense variant replaces glycine with glutamic acid at codon 651 of the PALB2 protein. Computational prediction suggests that this variant may not impact protein structure and function (internally defined REVEL score threshold <= 0.5, PMID: 27666373). To our knowledge, functional studies have not been reported for this variant. This variant has not been reported in individuals affected with PALB2-related disorders in the literature. This variant has not been identified in the general population by the Genome Aggregation Database (gnomAD). The available evidence is insufficient to determine the role of this variant in disease conclusively. Therefore, this variant is classified as a Variant of Uncertain Significance.